The following is an entry in ClinVar:

ClinVar aggregate classification (germline): Conflicting classifications of pathogenicity. Review status: criteria provided, conflicting classifications (1 of 4 stars). 5 submissions from 5 submitters: Uncertain significance (1); Benign (1); Likely benign (3). Last evaluated 2026-01-25.

Conditions:
Inborn genetic diseases. Identifiers: MedGen C0950123, MeSH D030342.
Landau-Kleffner syndrome (FESD). Also called: APHASIA, ACQUIRED, WITH EPILEPSY; EPILEPSY, FOCAL, WITH SPEECH DISORDER AND WITH OR WITHOUT MENTAL RETARDATION. Identifiers: Orphanet 1945, Orphanet 725, Orphanet 98818, MedGen C0282512, MONDO:0009509, OMIM 245570.

Allele frequency attached by ClinVar (database versions not stated): gnomAD exomes 0.00008; ExAC 0.00010; ESP Exome Variant Server 0.00023; TOPMed 0.00023; gnomAD 0.00026 and 0.00028; 1000 Genomes Project 30x 0.00031; 1000 Genomes Project 0.00040.
gnomAD v4.1: 130 of 1,613,260 alleles (0.0081%); highest among the groups gnomAD compares: African/African-American, 0.08%; no homozygotes.

Submissions (5):

Labcorp Genetics (formerly Invitae), Labcorp
Classification: Likely benign for Landau-Kleffner syndrome. Last evaluated: 2026-01-25. Review status: criteria provided, single submitter. Criteria: Invitae Variant Classification Sherloc (09022015). Collection method: clinical testing. Allele origin: germline.

Blueprint Genetics
Classification: Likely benign. Last evaluated: 2023-05-08. Review status: criteria provided, single submitter. Criteria: ACMG Guidelines, 2015. Collection method: clinical testing. Allele origin: germline.

Ambry Genetics
Classification: Likely benign for Inborn genetic diseases. Last evaluated: 2017-03-20. Review status: criteria provided, single submitter. Criteria: Ambry Variant Classification Scheme 2023. Collection method: clinical testing. Allele origin: germline.

Eurofins Ntd Llc (ga)
Classification: Uncertain significance. Last evaluated: 2017-01-24. Review status: criteria provided, single submitter. Criteria: EGL Classification Definitions 2015. Collection method: clinical testing. Allele origin: germline. Observed: 1 variant allele, 1 heterozygote.

GeneDx
Classification: Benign. Last evaluated: 2014-04-21. Review status: criteria provided, single submitter. Criteria: GeneDx Variant Classification (06012015). Collection method: clinical testing. Allele origin: germline. Affected: yes.
Comment: This variant is considered likely benign or benign based on one or more of the following criteria: it is a conservative change, it occurs at a poorly conserved position in the protein, it is predicted to be benign by multiple in silico algorithms, and/or has population frequency not consistent with disease.

NM_001134407.3(GRIN2A):c.1410T>G (p.Thr470=)

Gene: GRIN2A (glutamate ionotropic receptor NMDA type subunit 2A; minus strand). Cytogenetic location: 16p13.2.
Variant type: single nucleotide variant.
Coding change: c.1410T>G on transcript NM_001134407.3 (MANE Select); coding-DNA position 1410, T replaced by G.
Protein change: p.Thr470=; no amino-acid change (threonine 470 retained).
Molecular consequence: synonymous variant.
Genome position (GRCh38, 1-based): chr16:9,841,023, A>C on the plus strand (T>G on the coding strand, the complement: GRIN2A is on the minus strand). VCF-style: chr16-9841023-A-C. GRCh37 (hg19) VCF-style: chr16-9934880-A-C.
Other names: p.T470T:ACT>ACG; c.1410T>G, p.Thr470= (NM_000833.5, NM_001134408.2).
Identifiers: ClinVar variation 137509 (VCV000137509.20), dbSNP rs372058698, ClinGen allele CA291119.